The following is an entry in ClinVar:

ClinVar aggregate classification (germline): Uncertain significance. Review status: criteria provided, multiple submitters, no conflicts (2 of 4 stars). 2 submissions from 2 submitters: Uncertain significance (2). Last evaluated 2021-08-31.

Conditions:
Imerslund-Grasbeck syndrome. Also called: Megaloblastic anemia due to inborn errors of metabolism; Imerslund-Gräsbeck syndrome; ENTEROCYTE COBALAMIN MALABSORPTION; ENTEROCYTE INTRINSIC FACTOR RECEPTOR, DEFECT OF; PERNICIOUS ANEMIA, JUVENILE, DUE TO SELECTIVE INTESTINAL MALABSORPTION OF VITAMIN B12, WITH PROTEINURIA. Identifiers: Orphanet 35858, MedGen C4551825, MONDO:0009853.
Inborn genetic diseases. Identifiers: MedGen C0950123, MeSH D030342.

Allele frequency attached by ClinVar (database versions not stated): ExAC 0.00003; gnomAD exomes 0.00003; gnomAD 0.00004.
gnomAD v4.1: 133 of 1,598,966 alleles (0.0083%); highest among the groups gnomAD compares: Non-Finnish European, 0.011%; no homozygotes.

Submissions (2):

Labcorp Genetics (formerly Invitae), Labcorp
Classification: Uncertain significance for Imerslund-Grasbeck syndrome. Last evaluated: 2021-08-31. Review status: criteria provided, single submitter. Criteria: Invitae Variant Classification Sherloc (09022015). Collection method: clinical testing. Allele origin: germline.
Comment: This sequence change replaces serine with leucine at codon 167 of the AMN protein (p.Ser167Leu). The serine residue is moderately conserved and there is a large physicochemical difference between serine and leucine. This variant is present in population databases (rs774698023, ExAC 0.01%). This variant has not been reported in the literature in individuals affected with AMN-related conditions. Algorithms developed to predict the effect of missense changes on protein structure and function (SIFT, PolyPhen-2, Align-GVGD) all suggest that this variant is likely to be tolerated. In summary, the available evidence is currently insufficient to determine the role of this variant in disease. Therefore, it has been classified as a Variant of Uncertain Significance.

Ambry Genetics
Classification: Uncertain significance for Inborn genetic diseases. Last evaluated: 2021-08-13. Review status: criteria provided, single submitter. Criteria: Ambry Variant Classification Scheme 2023. Collection method: clinical testing. Allele origin: germline.

NM_030943.4(AMN):c.500C>T (p.Ser167Leu)

Gene: AMN (amnion associated transmembrane protein; plus strand). Cytogenetic location: 14q32.32.
Variant type: single nucleotide variant.
Coding change: c.500C>T on transcript NM_030943.4 (MANE Select); coding-DNA position 500, C replaced by T.
Protein change: p.Ser167Leu; replaces serine 167 with leucine.
Molecular consequence: missense variant.
Genome position (GRCh38, 1-based): chr14:102,928,962, C>T. VCF-style: chr14-102928962-C-T. GRCh37 (hg19) VCF-style: chr14-103395299-C-T.
Other names: c.500C>T (NM_030943.3); short protein forms S167L.
Identifiers: ClinVar variation 1040561 (VCV001040561.7), dbSNP rs774698023, ClinGen allele CA7359928.
Genomic context (GRCh38, chr14:102,928,962, plus strand): 5'-GTGCCTCCTTCCGCGTGGGGCTCGGCCCTGGCGCTAGCCCCGTGCGTGTCCGCAGCATCT[C>T]GGCTCTGGGCCGGGTGAGCACTGAGGGGAGGGAGGCTCGGGTCCCCTCTCCCCACCTCGG-3'
Protein context (NP_112205.2, residues 157-177): GASPVRVRSI[Ser167Leu]ALGRTFTRDE